The following is an entry in ClinVar:

NM_002972.4(SBF1):c.3346A>T (p.Met1116Leu)

Gene: SBF1 (SET binding factor 1; minus strand). Cytogenetic location: 22q13.33.
Variant type: single nucleotide variant.
Coding change: c.3346A>T on transcript NM_002972.4 (MANE Select); coding-DNA position 3346, A replaced by T.
Protein change: p.Met1116Leu; replaces methionine 1116 with leucine.
Molecular consequence: missense variant.
Genome position (GRCh38, 1-based): chr22:50,460,097, T>A on the plus strand (A>T on the coding strand, the complement: SBF1 is on the minus strand). VCF-style: chr22-50460097-T-A. GRCh37 (hg19) VCF-style: chr22-50898526-T-A.
Other names: c.3349A>T, p.Met1117Leu (NM_001365819.1); short protein forms M1117L, M1116L.
Identifiers: ClinVar variation 1401920 (VCV001401920.5), dbSNP rs768000601, ClinGen allele CA10316746.

ClinVar aggregate classification (germline): Uncertain significance (1 of 4 stars; one submission).

Allele frequency attached by ClinVar (database versions not stated): ExAC 0.00002; gnomAD 0.00004; TOPMed 0.00007.

Submission:

Labcorp Genetics (formerly Invitae), Labcorp
Classification: Uncertain significance. Last evaluated: 2024-10-23. Review status: criteria provided, single submitter. Criteria: Invitae Variant Classification Sherloc (09022015). Collection method: clinical testing. Allele origin: germline.
Comment: This sequence change replaces methionine, which is neutral and non-polar, with leucine, which is neutral and non-polar, at codon 1116 of the SBF1 protein (p.Met1116Leu). This variant is present in population databases (rs768000601, gnomAD 0.009%). This missense change has been observed in individual(s) with clinical features of SBF1-related conditions (PMID: 36939041). ClinVar contains an entry for this variant (Variation ID: 1401920). Invitae Evidence Modeling of protein sequence and biophysical properties (such as structural, functional, and spatial information, amino acid conservation, physicochemical variation, residue mobility, and thermodynamic stability) indicates that this missense variant is not expected to disrupt SBF1 protein function with a negative predictive value of 80%. In summary, the available evidence is currently insufficient to determine the role of this variant in disease. Therefore, it has been classified as a Variant of Uncertain Significance.

Literature cited by the submitters: PubMed 36939041.